The following is an entry in ClinVar:

ClinVar aggregate classification (germline): Uncertain significance (1 of 4 stars; one submission).

Allele frequency attached by ClinVar (database versions not stated): gnomAD 0.00003.
gnomAD v4.1: 10 of 1,613,958 alleles (0.00062%); highest among the groups gnomAD compares: African/African-American, 0.008%; no homozygotes.

Submission:

Ambry Genetics
Classification: Uncertain significance. Last evaluated: 2026-03-26. Review status: criteria provided, single submitter. Criteria: Ambry Variant Classification Scheme 2023. Collection method: clinical testing. Allele origin: germline.
Comment: The c.212G>A (p.R71Q) alteration is located in exon 2 (coding exon 1) of the ZSCAN22 gene. This alteration results from a G to A substitution at nucleotide position 212, causing the arginine (R) at amino acid position 71 to be replaced by a glutamine (Q). Based on data from gnomAD, the A allele has an overall frequency of 0.001% (4/282472) total alleles studied. The highest observed frequency was 0.012% (3/24930) of African alleles. Based on insufficient or conflicting evidence, the clinical significance of this alteration remains unclear.

NM_181846.3(ZSCAN22):c.212G>A (p.Arg71Gln)

Gene: ZSCAN22 (zinc finger and SCAN domain containing 22; plus strand). Cytogenetic location: 19q13.43.
Variant type: single nucleotide variant.
Coding change: c.212G>A on transcript NM_181846.3 (MANE Select); coding-DNA position 212, G replaced by A.
Protein change: p.Arg71Gln; replaces arginine 71 with glutamine.
Molecular consequence: missense variant.
Genome position (GRCh38, 1-based): chr19:58,335,014, G>A. VCF-style: chr19-58335014-G-A. GRCh37 (hg19) VCF-style: chr19-58846380-G-A.
Other names: c.212G>A, p.Arg71Gln (NM_001321116.2, NM_001321117.2); short protein forms R71Q.
Identifiers: ClinVar variation 3199383 (VCV003199383.2), dbSNP rs750363630, ClinGen allele CA9713346.